The following is an entry in ClinVar:

ClinVar aggregate classification (germline): Pathogenic/Likely pathogenic. Review status: criteria provided, multiple submitters, no conflicts (2 of 4 stars). 2 submissions from 2 submitters: Pathogenic (1); Likely pathogenic (1). Last evaluated 2022-12-02.

Conditions:
Fanconi anemia (FA). Also called: Fanconi's anemia. Identifiers: Orphanet 84, MedGen C0015625, MeSH D005199, MONDO:0019391.

Submissions (2):

GeneDx
Classification: Likely pathogenic. Last evaluated: 2022-12-02. Review status: criteria provided, single submitter. Criteria: GeneDx Variant Classification Process June 2021. Collection method: clinical testing. Allele origin: germline. Affected: yes.
Comment: Nonsense variant predicted to result in protein truncation or nonsense mediated decay in a gene for which loss of function is a known mechanism of disease; Not observed at significant frequency in large population cohorts (gnomAD); Has not been previously published as pathogenic or benign to our knowledge

Labcorp Genetics (formerly Invitae), Labcorp
Classification: Pathogenic for Fanconi anemia. Last evaluated: 2022-10-19. Review status: criteria provided, single submitter. Criteria: Invitae Variant Classification Sherloc (09022015). Collection method: clinical testing. Allele origin: germline.
Comment: This sequence change creates a premature translational stop signal (p.Glu1613*) in the SLX4 gene. It is expected to result in an absent or disrupted protein product. Loss-of-function variants in SLX4 are known to be pathogenic (PMID: 21240277). This variant is not present in population databases (gnomAD no frequency). This variant has not been reported in the literature in individuals affected with SLX4-related conditions. ClinVar contains an entry for this variant (Variation ID: 1413540). For these reasons, this variant has been classified as Pathogenic.

Literature cited by the submitters: PubMed 21240277 (cited by Labcorp Genetics (formerly Invitae), Labcorp).

NM_032444.4(SLX4):c.4837G>T (p.Glu1613Ter)

Gene: SLX4 (SLX4 structure-specific endonuclease subunit; minus strand). Cytogenetic location: 16p13.3.
Variant type: single nucleotide variant.
Coding change: c.4837G>T on transcript NM_032444.4 (MANE Select); coding-DNA position 4837, G replaced by T.
Protein change: p.Glu1613Ter; replaces glutamic acid 1613 with a stop codon.
Molecular consequence: nonsense.
Genome position (GRCh38, 1-based): chr16:3,583,413, C>A on the plus strand (G>T on the coding strand, the complement: SLX4 is on the minus strand). VCF-style: chr16-3583413-C-A. GRCh37 (hg19) VCF-style: chr16-3633414-C-A.
Other names: c.4837G>T (NM_032444.2); short protein forms E1613*.
Identifiers: ClinVar variation 1413540 (VCV001413540.6), dbSNP rs761469284, ClinGen allele CA394515273.